The following is an entry in ClinVar:

NM_016239.4(MYO15A):c.6052G>A (p.Gly2018Arg)

Gene: MYO15A (myosin XVA; plus strand). Cytogenetic location: 17p11.2.
Variant type: single nucleotide variant.
Coding change: c.6052G>A on transcript NM_016239.4 (MANE Select); coding-DNA position 6052, G replaced by A.
Protein change: p.Gly2018Arg; replaces glycine 2018 with arginine.
Molecular consequence: missense variant.
Genome position (GRCh38, 1-based): chr17:18,143,875, G>A. VCF-style: chr17-18143875-G-A. GRCh37 (hg19) VCF-style: chr17-18047189-G-A.
Other names: short protein forms G2018R.
Identifiers: ClinVar variation 45754 (VCV000045754.21), dbSNP rs2272571, ClinGen allele CA137000.

ClinVar aggregate classification (germline): Benign. Review status: criteria provided, multiple submitters, no conflicts (2 of 4 stars). 8 submissions from 8 submitters: Benign (8). Last evaluated 2026-02-04.

Conditions:
Autosomal recessive nonsyndromic hearing loss 3. Also called: NEUROSENSORY NONSYNDROMIC RECESSIVE DEAFNESS 3. Identifiers: Orphanet 90636, MedGen C1838263, MONDO:0010860, OMIM 600316.

Allele frequency attached by ClinVar (database versions not stated): ESP Exome Variant Server 0.12240; gnomAD 0.16711; TOPMed 0.16736; 1000 Genomes Project 30x 0.23345; 1000 Genomes Project 0.23822.
gnomAD v4.1: 225,786 of 1,581,876 alleles (14%); highest among the groups gnomAD compares: East Asian, 50%; 20,908 homozygotes.

Submissions (11):

Labcorp Genetics (formerly Invitae), Labcorp
Classification: Benign. Last evaluated: 2026-02-04. Review status: criteria provided, single submitter. Criteria: Invitae Variant Classification Sherloc (09022015). Collection method: clinical testing. Allele origin: germline.

Women's Health and Genetics/Laboratory Corporation of America, LabCorp
Classification: Benign. Last evaluated: 2026-01-08. Review status: criteria provided, single submitter. Criteria: LabCorp Variant Classification Summary - May 2015. Collection method: clinical testing. Allele origin: germline.
Comment: Variant summary: MYO15A c.6052G>A (p.Gly2018Arg) results in a non-conservative amino acid change in the encoded protein sequence. Algorithms developed to predict the effect of missense changes on protein structure and function are either unavailable or do not agree on the potential impact of this missense change. The variant allele was found at a frequency of 0.19 in 198172 control chromosomes in the gnomAD database, including 5235 homozygotes. The observed variant frequency exceeds the estimated maximal expected allele frequency for disease-causing variants in MYO15A. To our knowledge, no occurrence of c.6052G>A in individuals affected with MYO15A-related conditions and no experimental evidence demonstrating its impact on protein function have been reported. ClinVar contains an entry for this variant (Variation ID: 45754). Based on the evidence outlined above, the variant was classified as benign.

Mayo Clinic Laboratories, Mayo Clinic
Classification: Benign. Last evaluated: 2020-10-02. Review status: criteria provided, single submitter. Criteria: ACMG Guidelines, 2015. Collection method: clinical testing. Allele origin: germline. Observed: 40 variant alleles.

Illumina Laboratory Services, Illumina
Classification: Benign for Autosomal recessive nonsyndromic hearing loss 3. Last evaluated: 2018-01-13. Review status: criteria provided, single submitter. Criteria: ICSL Variant Classification Criteria 13 December 2019. Collection method: clinical testing. Allele origin: germline.
Comment: This variant was observed in the ICSL laboratory as part of a predisposition screen in an ostensibly healthy population. It had not been previously curated by ICSL or reported in the Human Gene Mutation Database (HGMD: prior to June 1st, 2018), and was therefore a candidate for classification through an automated scoring system. Utilizing variant allele frequency, disease prevalence and penetrance estimates, and inheritance mode, an automated score was calculated to assess if this variant is too frequent to cause the disease. Based on the score and internal cut-off values, a variant classified as benign is not then subjected to further curation. The score for this variant resulted in a classification of benign for this disease.

GeneDx
Classification: Benign. Last evaluated: 2017-05-09. Review status: criteria provided, single submitter. Criteria: GeneDx Variant Classification (06012015). Collection method: clinical testing. Allele origin: germline. Affected: yes.
Comment: This variant is considered likely benign or benign based on one or more of the following criteria: it is a conservative change, it occurs at a poorly conserved position in the protein, it is predicted to be benign by multiple in silico algorithms, and/or has population frequency not consistent with disease.

Laboratory for Molecular Medicine, Mass General Brigham Personalized Medicine
Classification: Benign. Last evaluated: 2012-05-07. Review status: criteria provided, single submitter. Criteria: LMM Criteria. Collection method: clinical testing. Allele origin: germline. Observed: 500 variant alleles.
Comment: Gly2018Arg in Exon 28 of MYO15A: This variant is not expected to have clinical s ignificance because it has been identified in 13.7% (472/3448) of African Americ an chromosomes from a broad population by the NHLBI Exome Sequencing Project (dbSNP rs2272571).

Breakthrough Genomics
Classification: Benign. Review status: criteria provided, single submitter. Criteria: ACMG Guidelines, 2015. Collection method: not provided. Allele origin: germline. Inheritance: Autosomal recessive inheritance. Affected: yes.

PreventionGenetics, part of Exact Sciences
Classification: Benign. Review status: criteria provided, single submitter. Criteria: ACMG Guidelines, 2015. Collection method: clinical testing. Allele origin: germline.

Dr. Peter K. Rogan Lab, Western University
No classification provided (evidence only). Condition: Ovarian serous cystadenocarcinoma. Review status: no classification provided. Collection method: in vitro. Allele origin: not applicable. Functional consequence: retained intron. Not counted in ClinVar's aggregate classification.

Dr. Peter K. Rogan Lab, Western University
No classification provided (evidence only). Condition: Uterine carcinosarcoma. Review status: no classification provided. Collection method: in vitro. Allele origin: not applicable. Functional consequence: retained intron. Not counted in ClinVar's aggregate classification.

Dr. Peter K. Rogan Lab, Western University
No classification provided (evidence only). Condition: Uterine carcinosarcoma. Review status: no classification provided. Collection method: in vitro. Allele origin: not applicable. Functional consequence: retained intron. Not counted in ClinVar's aggregate classification.